The following is an entry in ClinVar:

NM_181861.2(APAF1):c.2047-3T>C

Gene: APAF1 (apoptotic peptidase activating factor 1; plus strand). Cytogenetic location: 12q23.1.
Variant type: single nucleotide variant.
Coding change: c.2047-3T>C on transcript NM_181861.2 (MANE Select); 3 bases into the intron before coding-DNA position 2047, T replaced by C.
Molecular consequence: intron variant.
Genome position (GRCh38, 1-based): chr12:98,683,140, T>C. VCF-style: chr12-98683140-T-C. GRCh37 (hg19) VCF-style: chr12-99076918-T-C.
Other names: c.2047-3T>C (NM_181868.2); c.955+20334T>C (NM_181869.2); c.2014-3T>C (NM_013229.3, NM_001160.3).
Identifiers: ClinVar variation 776738 (VCV000776738.6), dbSNP rs11832663, ClinGen allele CA6734161.

ClinVar aggregate classification (germline): Benign. Review status: criteria provided, multiple submitters, no conflicts (2 of 4 stars). 3 submissions from 3 submitters: Benign (2). 1 of the submissions does not count toward it. Last evaluated 2018-10-10.

Conditions:
APAF1-related disorder. Also called: APAF1-related condition.

Allele frequency attached by ClinVar (database versions not stated): gnomAD exomes 0.00237 and 0.00641; ExAC 0.00855; gnomAD 0.02564 and 0.02742; TOPMed 0.02854; ESP Exome Variant Server 0.02891; 1000 Genomes Project 0.02975; 1000 Genomes Project 30x 0.03014.
gnomAD v4.1: 7,519 of 1,612,306 alleles (0.47%); highest among the groups gnomAD compares: African/African-American, 9%; 322 homozygotes.

Submissions (3):

Labcorp Genetics (formerly Invitae), Labcorp
Classification: Benign. Last evaluated: 2018-10-10. Review status: criteria provided, single submitter. Criteria: Invitae Variant Classification Sherloc (09022015). Collection method: clinical testing. Allele origin: germline.

Breakthrough Genomics
Classification: Benign. Review status: criteria provided, single submitter. Criteria: ACMG Guidelines, 2015. Collection method: not provided. Allele origin: germline. Inheritance: Unknown mechanism. Affected: yes.

PreventionGenetics, part of Exact Sciences
Classification: Benign for APAF1-related condition. Last evaluated: 2019-05-01. Review status: no assertion criteria provided. Collection method: clinical testing. Allele origin: germline. Not counted in ClinVar's aggregate classification.
Comment: This variant is classified as benign based on ACMG/AMP sequence variant interpretation guidelines (Richards et al. 2015 PMID: 25741868, with internal and published modifications).